The following is an entry in ClinVar:

ClinVar aggregate classification (germline): Uncertain significance (1 of 4 stars; one submission).

Submission:

Labcorp Genetics (formerly Invitae), Labcorp
Classification: Uncertain significance. Last evaluated: 2024-08-30. Review status: criteria provided, single submitter. Criteria: Invitae Variant Classification Sherloc (09022015). Collection method: clinical testing. Allele origin: germline.
Comment: This sequence change replaces alanine, which is neutral and non-polar, with serine, which is neutral and polar, at codon 755 of the CACNA1B protein (p.Ala755Ser). This variant is not present in population databases (gnomAD no frequency). This variant has not been reported in the literature in individuals affected with CACNA1B-related conditions. Invitae Evidence Modeling of protein sequence and biophysical properties (such as structural, functional, and spatial information, amino acid conservation, physicochemical variation, residue mobility, and thermodynamic stability) indicates that this missense variant is not expected to disrupt CACNA1B protein function with a negative predictive value of 95%. In summary, the available evidence is currently insufficient to determine the role of this variant in disease. Therefore, it has been classified as a Variant of Uncertain Significance.

NM_000718.4(CACNA1B):c.2263G>T (p.Ala755Ser)

Genes: CACNA1B (calcium voltage-gated channel subunit alpha1 B; plus strand), LOC108254695 (9q34.3 CACNA1B recombination region; plus strand). Cytogenetic location: 9q34.3.
Variant type: single nucleotide variant.
Coding change: c.2263G>T on transcript NM_000718.4 (MANE Select); coding-DNA position 2263, G replaced by T.
Protein change: p.Ala755Ser; replaces alanine 755 with serine.
Molecular consequence: missense variant.
Genome position (GRCh38, 1-based): chr9:138,013,231, G>T. VCF-style: chr9-138013231-G-T. GRCh37 (hg19) VCF-style: chr9-140907683-G-T.
Other names: c.2263G>T, p.Ala755Ser (NM_001243812.2); short protein forms A755S.
Identifiers: ClinVar variation 3681143 (VCV003681143.2).